The following is an entry in ClinVar:

ClinVar aggregate classification (germline): Uncertain significance (1 of 4 stars; one submission).

Submission:

Labcorp Genetics (formerly Invitae), Labcorp
Classification: Uncertain significance. Last evaluated: 2025-07-21. Review status: criteria provided, single submitter. Criteria: Invitae Variant Classification Sherloc (09022015). Collection method: clinical testing. Allele origin: germline.
Comment: This sequence change replaces alanine, which is neutral and non-polar, with serine, which is neutral and polar, at codon 104 of the EFEMP1 protein (p.Ala104Ser). This variant is not present in population databases (gnomAD no frequency). This variant has not been reported in the literature in individuals affected with EFEMP1-related conditions. An algorithm developed to predict the effect of missense changes on protein structure and function (PolyPhen-2) suggests that this variant is likely to be tolerated. In summary, the available evidence is currently insufficient to determine the role of this variant in disease. Therefore, it has been classified as a Variant of Uncertain Significance.

NM_001039348.3(EFEMP1):c.310G>T (p.Ala104Ser)

Gene: EFEMP1 (EGF-like fibulin extracellular matrix protein 1; minus strand). Cytogenetic location: 2p16.1.
Variant type: single nucleotide variant.
Coding change: c.310G>T on transcript NM_001039348.3 (MANE Select); coding-DNA position 310, G replaced by T.
Protein change: p.Ala104Ser; replaces alanine 104 with serine.
Molecular consequence: missense variant.
Genome position (GRCh38, 1-based): chr2:55,917,872, C>A on the plus strand (G>T on the coding strand, the complement: EFEMP1 is on the minus strand). VCF-style: chr2-55917872-C-A. GRCh37 (hg19) VCF-style: chr2-56145007-C-A.
Other names: c.310G>T, p.Ala104Ser (NM_001039349.3); short protein forms A104S.
Identifiers: ClinVar variation 4723639 (VCV004723639.1).